The following is an entry in ClinVar:

NM_004656.4(BAP1):c.384A>C (p.Gly128=)

Gene: BAP1 (BRCA1 associated deubiquitinase 1; minus strand). Cytogenetic location: 3p21.1.
Variant type: single nucleotide variant.
Coding change: c.384A>C on transcript NM_004656.4 (MANE Select); coding-DNA position 384, A replaced by C.
Protein change: p.Gly128=; no amino-acid change (glycine 128 retained).
Molecular consequence: synonymous variant.
Genome position (GRCh38, 1-based): chr3:52,407,452, T>G on the plus strand (A>C on the coding strand, the complement: BAP1 is on the minus strand). VCF-style: chr3-52407452-T-G. GRCh37 (hg19) VCF-style: chr3-52441468-T-G.
Other names: c.384A>C (LRG_529t1).
Identifiers: ClinVar variation 485248 (VCV000485248.23), dbSNP rs777514791, ClinGen allele CA2437092.
Genomic context (GRCh38, chr3:52,407,452, plus strand): 5'-CACACACCTGGCATGGCTATTATGGGCCTTGGCCAACTCCGGGGCATTGCCAATCGCATA[T>G]CCTTTGCTCTACGGGGAAGAAAATAAGGCCGTATCAGAATAATTTCTCCTCAGGTAGGAC-3'
Protein context (NP_004647.1, residues 118-138): FTKGFSPESK[Gly128=]YAIGNAPELA

ClinVar aggregate classification (germline): Benign/Likely benign. Review status: criteria provided, multiple submitters, no conflicts (2 of 4 stars). 8 submissions from 8 submitters: Benign (1); Likely benign (7). Last evaluated 2026-05-01.

Conditions:
Hereditary cancer-predisposing syndrome. Also called: Hereditary neoplastic syndrome; Neoplastic Syndromes, Hereditary; Hereditary Cancer Syndrome; Tumor predisposition. Identifiers: Orphanet 140162, MedGen C0027672, MeSH D009386, MONDO:0015356.
BAP1-related tumor predisposition syndrome (TPDS1). Also called: BAP1 tumor predisposition syndrome; COMMON Syndrome; TUMOR PREDISPOSITION SYNDROME 1; Tumor susceptibility linked to germline BAP1 mutations. Identifiers: Orphanet 289539, MedGen C3280492, MONDO:0013692, OMIM 614327.

Allele frequency attached by ClinVar (database versions not stated): ExAC 0.00001; TOPMed 0.00001; gnomAD exomes 0.00002 and 0.00004.
gnomAD v4.1: 25 of 1,614,126 alleles (0.0015%); highest among the groups gnomAD compares: Non-Finnish European, 0.00076%; no homozygotes.

Submissions (8):

CeGaT Center for Human Genetics Tuebingen
Classification: Likely benign. Last evaluated: 2026-05-01. Review status: criteria provided, single submitter. Criteria: CeGaT Center For Human Genetics Tuebingen Variant Classification Criteria Version 2. Collection method: clinical testing. Allele origin: germline. Affected: yes. Observed: 1 variant allele.
Comment: BAP1: BP4

Labcorp Genetics (formerly Invitae), Labcorp
Classification: Likely benign for BAP1-related tumor predisposition syndrome. Last evaluated: 2026-01-07. Review status: criteria provided, single submitter. Criteria: Invitae Variant Classification Sherloc (09022015). Collection method: clinical testing. Allele origin: germline.

Blueprint Genetics
Classification: Likely benign. Last evaluated: 2024-11-22. Review status: criteria provided, single submitter. Criteria: ACMG Guidelines, 2015. Collection method: clinical testing. Allele origin: germline.

Myriad Genetics, Inc.
Classification: Benign for BAP1-related tumor predisposition syndrome. Last evaluated: 2024-07-12. Review status: criteria provided, single submitter. Criteria: Myriad Autosomal Dominant, Autosomal Recessive and X-Linked Classification Criteria (2023). Collection method: clinical testing. Allele origin: unknown.
Comment: This variant is considered benign. This variant is a silent/synonymous amino acid change and it is not expected to impact splicing.

Quest Diagnostics Nichols Institute San Juan Capistrano
Classification: Likely benign. Last evaluated: 2022-12-07. Review status: criteria provided, single submitter. Criteria: Quest Diagnostics criteria. Collection method: clinical testing. Allele origin: unknown.

GeneDx
Classification: Likely benign. Last evaluated: 2018-05-18. Review status: criteria provided, single submitter. Criteria: GeneDx Variant Classification (06012015). Collection method: clinical testing. Allele origin: germline. Affected: yes.
Comment: This variant is considered likely benign or benign based on one or more of the following criteria: it is a conservative change, it occurs at a poorly conserved position in the protein, it is predicted to be benign by multiple in silico algorithms, and/or has population frequency not consistent with disease.

Color Diagnostics, LLC DBA Color Health
Classification: Likely benign for Hereditary cancer-predisposing syndrome. Last evaluated: 2016-12-08. Review status: criteria provided, single submitter. Criteria: ACMG Guidelines, 2015. Collection method: clinical testing. Allele origin: germline.

Ambry Genetics
Classification: Likely benign for Hereditary cancer-predisposing syndrome. Last evaluated: 2016-05-06. Review status: criteria provided, single submitter. Criteria: Ambry Variant Classification Scheme 2023. Collection method: clinical testing. Allele origin: germline.